The following is an entry in ClinVar:

ClinVar aggregate classification (germline): Uncertain significance. Review status: criteria provided, multiple submitters, no conflicts (2 of 4 stars). 2 submissions from 2 submitters: Uncertain significance (2). Last evaluated 2025-10-21.

Conditions:
Inborn genetic diseases. Identifiers: MedGen C0950123, MeSH D030342.

Allele frequency attached by ClinVar (database versions not stated): gnomAD exomes below 0.00001; ExAC 0.00001.
gnomAD v4.1: 6 of 1,613,990 alleles (0.00037%); highest among the groups gnomAD compares: Admixed American, 0.01%; no homozygotes.

Submissions (2):

Ambry Genetics
Classification: Uncertain significance for Inborn genetic diseases. Last evaluated: 2025-10-21. Review status: criteria provided, single submitter. Criteria: Ambry Variant Classification Scheme 2023. Collection method: clinical testing. Allele origin: germline.

Labcorp Genetics (formerly Invitae), Labcorp
Classification: Uncertain significance. Last evaluated: 2025-02-15. Review status: criteria provided, single submitter. Criteria: Invitae Variant Classification Sherloc (09022015). Collection method: clinical testing. Allele origin: germline.
Comment: This sequence change replaces tryptophan, which is neutral and slightly polar, with arginine, which is basic and polar, at codon 44 of the GJB3 protein (p.Trp44Arg). This variant is present in population databases (rs765108155, gnomAD 0.006%). This variant has not been reported in the literature in individuals affected with GJB3-related conditions. ClinVar contains an entry for this variant (Variation ID: 1895992). Invitae Evidence Modeling of protein sequence and biophysical properties (such as structural, functional, and spatial information, amino acid conservation, physicochemical variation, residue mobility, and thermodynamic stability) indicates that this missense variant is expected to disrupt GJB3 protein function with a positive predictive value of 80%. In summary, the available evidence is currently insufficient to determine the role of this variant in disease. Therefore, it has been classified as a Variant of Uncertain Significance.

NM_024009.3(GJB3):c.130T>A (p.Trp44Arg)

Gene: GJB3 (gap junction protein beta 3; plus strand). Cytogenetic location: 1p34.3.
Variant type: single nucleotide variant.
Coding change: c.130T>A on transcript NM_024009.3 (MANE Select); coding-DNA position 130, T replaced by A.
Protein change: p.Trp44Arg; replaces tryptophan 44 with arginine.
Molecular consequence: missense variant.
Genome position (GRCh38, 1-based): chr1:34,784,892, T>A. VCF-style: chr1-34784892-T-A. GRCh37 (hg19) VCF-style: chr1-35250493-T-A.
Other names: c.130T>A (NM_024009.2); c.130T>A, p.Trp44Arg (NM_001005752.2); short protein forms W44R.
Identifiers: ClinVar variation 1895992 (VCV001895992.6), dbSNP rs765108155, ClinGen allele CA754758.